The following is an entry in ClinVar:

NM_001613.4(ACTA2):c.399C>T (p.Ala133=)

Gene: ACTA2 (actin alpha 2, smooth muscle; minus strand). Cytogenetic location: 10q23.31.
Variant type: single nucleotide variant.
Coding change: c.399C>T on transcript NM_001613.4 (MANE Select); coding-DNA position 399, C replaced by T.
Protein change: p.Ala133=; no amino-acid change (alanine 133 retained).
Molecular consequence: synonymous variant.
Genome position (GRCh38, 1-based): chr10:88,941,840, G>A on the plus strand (C>T on the coding strand, the complement: ACTA2 is on the minus strand). VCF-style: chr10-88941840-G-A. GRCh37 (hg19) VCF-style: chr10-90701597-G-A.
Other names: c.399C>T, p.Ala133= (NM_001141945.3, NM_001320855.2, NM_001406462.1 and 3 more transcripts); c.288C>T, p.Ala96= (NM_001406466.1); c.270C>T, p.Ala90= (NM_001406467.1, NM_001406468.1, NM_001406469.1).
Identifiers: ClinVar variation 927189 (VCV000927189.5), dbSNP rs781132665, ClinGen allele CA470734992.
Genomic context (GRCh38, chr10:88,941,840, plus strand): 5'-CCTACCAGTTGTGCGTCCAGAGGCATAGAGAGACAGCACCGCCTGGATAGCCACATACAT[G>A]GCTGGGACATTGAAAGTCTCAAACATAATCTGCAAAGCAATCCAAAGAGCTGAGTTAGTG-3'
Protein context (NP_001604.1, residues 123-143): QIMFETFNVP[Ala133=]MYVAIQAVLS

ClinVar aggregate classification (germline): Likely benign. Review status: criteria provided, multiple submitters, no conflicts (2 of 4 stars). 2 submissions from 2 submitters: Likely benign (2). Last evaluated 2023-05-31.

Conditions:
Familial thoracic aortic aneurysm and aortic dissection (TAAD). Also called: Thoracic aortic aneurysms and dissections. Identifiers: Orphanet 91387, MedGen C4707243, MONDO:0019625.

gnomAD v4.1: 7 of 1,613,116 alleles (0.00043%); highest among the groups gnomAD compares: Non-Finnish European, 0.00042%; no homozygotes.

Submissions (2):

All of Us Research Program, National Institutes of Health
Classification: Likely benign for Familial thoracic aortic aneurysm and aortic dissection. Last evaluated: 2023-05-31. Review status: criteria provided, single submitter. Criteria: ACMG Guidelines, 2015. Collection method: clinical testing. Allele origin: germline. Inheritance: Autosomal dominant inheritance. Observed: 1 variant allele, 1 heterozygote.
Comment: This study involves interpretation of variants in research participants for the purpose of population health screening. Participant phenotype was not available at the time of variant classification. Additional details can be found in publication PMID: 35346344, PMCID: PMC8962531

Color Diagnostics, LLC DBA Color Health
Classification: Likely benign for Familial thoracic aortic aneurysm and aortic dissection. Last evaluated: 2019-02-25. Review status: criteria provided, single submitter. Criteria: ACMG Guidelines, 2015. Collection method: clinical testing. Allele origin: germline.